The following is an entry in ClinVar:

NM_001134831.2(AHI1):c.2742del (p.Leu915fs)

Gene: AHI1 (Abelson helper integration site 1; minus strand). Cytogenetic location: 6q23.3.
Variant type: Deletion.
Coding change: c.2742del on transcript NM_001134831.2 (MANE Select); coding-DNA position 2742, one base deleted (T; older notation c.2742delT).
Protein change: p.Leu915fs; shifts the reading frame from leucine 915.
Molecular consequence: frameshift variant.
Genome position (GRCh38, 1-based): chr6:135,427,189, A deleted on the plus strand (T on the coding strand, the reverse complement: AHI1 is on the minus strand); the first of 2 consecutive A bases (chr6:135,427,189-135,427,190); deleting either gives the same sequence. VCF-style (leftmost placement, unchanged base first): chr6-135427188-GA-G. GRCh37 (hg19) VCF-style: chr6-135748326-GA-G.
Other names: c.2742del, p.Leu915fs (NM_001134830.2, NM_001134832.2, NM_001350503.2 and 2 more transcripts); short protein forms L915fs.
Identifiers: ClinVar variation 802271 (VCV000802271.6), dbSNP rs1583179845, ClinGen allele CA915944384.
Genomic context (GRCh38, chr6:135,427,188, plus strand): 5'-TACTCTAAAAATTCTTTACTTATCAAGTGGTAGACTTACCATGGAAATCGTAAATATACA[GA>G]AGAATTGGCTCATTTTGCCCAAATGCACAGAATGCAACCATATTTTCAAATGGATGATAA-3'

ClinVar aggregate classification (germline): Pathogenic. Review status: criteria provided, multiple submitters, no conflicts (2 of 4 stars). 2 submissions from 2 submitters: Pathogenic (2). Last evaluated 2024-11-11.

Conditions:
Joubert syndrome 1 (JBTS1). Also called: Cerebellooculorenal syndrome 1; CEREBELLOPARENCHYMAL DISORDER IV. Identifiers: MedGen C4551568, MONDO:0008944, OMIM 213300.
Joubert syndrome. Also called: Familial aplasia of the vermis; JOUBERT-BOLTSHAUSER SYNDROME. Identifiers: Orphanet 475, MedGen C5979921, MONDO:0018772.

Submissions (2):

Labcorp Genetics (formerly Invitae), Labcorp
Classification: Pathogenic for Joubert syndrome. Last evaluated: 2024-11-11. Review status: criteria provided, single submitter. Criteria: Invitae Variant Classification Sherloc (09022015). Collection method: clinical testing. Allele origin: germline.
Comment: This sequence change creates a premature translational stop signal (p.Leu915Cysfs*64) in the AHI1 gene. It is expected to result in an absent or disrupted protein product. Loss-of-function variants in AHI1 are known to be pathogenic (PMID: 15322546, 16453322, 28442542, 29186038). This variant is not present in population databases (gnomAD no frequency). This premature translational stop signal has been observed in individual(s) with clinical features of AHI1-related conditions (PMID: 32865313). ClinVar contains an entry for this variant (Variation ID: 802271). For these reasons, this variant has been classified as Pathogenic.

Mendelics
Classification: Pathogenic for Joubert syndrome 1. Last evaluated: 2019-05-28. Review status: criteria provided, single submitter. Criteria: Mendelics Assertion Criteria 2017. Collection method: clinical testing. Allele origin: unknown.

Literature cited by the submitters: PubMed 15322546 (cited by Labcorp Genetics (formerly Invitae), Labcorp); PubMed 16453322 (cited by Labcorp Genetics (formerly Invitae), Labcorp); PubMed 28442542 (cited by Labcorp Genetics (formerly Invitae), Labcorp); PubMed 29186038 (cited by Labcorp Genetics (formerly Invitae), Labcorp); PubMed 32865313 (cited by Labcorp Genetics (formerly Invitae), Labcorp).